The following is an entry in ClinVar:

NM_004984.4(KIF5A):c.1386C>T (p.Asp462=)

Gene: KIF5A (kinesin family member 5A; plus strand). Cytogenetic location: 12q13.3.
Variant type: single nucleotide variant.
Coding change: c.1386C>T on transcript NM_004984.4 (MANE Select); coding-DNA position 1386, C replaced by T.
Protein change: p.Asp462=; no amino-acid change (aspartic acid 462 retained).
Molecular consequence: synonymous variant.
Genome position (GRCh38, 1-based): chr12:57,572,084, C>T. VCF-style: chr12-57572084-C-T. GRCh37 (hg19) VCF-style: chr12-57965867-C-T.
Other names: p.Asp462=; c.1119C>T, p.Asp373= (NM_001354705.2).
Identifiers: ClinVar variation 1575277 (VCV001575277.9), dbSNP rs1269741883, ClinGen allele CA480264706.

ClinVar aggregate classification (germline): Likely benign. Review status: criteria provided, multiple submitters, no conflicts (2 of 4 stars). 2 submissions from 2 submitters: Likely benign (2). Last evaluated 2025-09-13.

Conditions:
Spastic paraplegia. Identifiers: MedGen C0037772, HP:0001258.

Allele frequency attached by ClinVar (database versions not stated): gnomAD exomes 0.00001; TOPMed 0.00002; gnomAD 0.00001.
gnomAD v4.1: 21 of 1,613,662 alleles (0.0013%); highest among the groups gnomAD compares: African/African-American, 0.0027%; no homozygotes.

Submissions (2):

Labcorp Genetics (formerly Invitae), Labcorp
Classification: Likely benign for Spastic paraplegia. Last evaluated: 2025-09-13. Review status: criteria provided, single submitter. Criteria: Invitae Variant Classification Sherloc (09022015). Collection method: clinical testing. Allele origin: germline.

Mayo Clinic Laboratories, Mayo Clinic
Classification: Likely benign. Last evaluated: 2025-09-02. Review status: criteria provided, single submitter. Criteria: ACMG Guidelines, 2015. Collection method: clinical testing. Allele origin: germline. Observed: 1 variant allele.
Comment: BP4, BP7